The following is an entry in ClinVar:

NM_001005361.3(DNM2):c.170_192del (p.Leu57fs)

Gene: DNM2 (dynamin 2; plus strand). Cytogenetic location: 19p13.2.
Variant type: Deletion.
Coding change: c.170_192del on transcript NM_001005361.3 (MANE Select); coding-DNA positions 170 to 192, 23 bases deleted (TTCCCCGCGGTTCAGGAATCGTC).
Protein change: p.Leu57fs; shifts the reading frame from leucine 57.
Molecular consequence: frameshift variant.
Genome position (GRCh38, 1-based): chr19:10,759,746-10,759,768, TTCCCCGCGGTTCAGGAATCGTC deleted; deleting any 23 consecutive bases within chr19:10,759,745-10,759,768 gives the same sequence; the c. name uses the placement nearest the transcript's 3' end. VCF-style (leftmost placement, unchanged base first): chr19-10759744-CCTTCCCCGCGGTTCAGGAATCGT-C. GRCh37 (hg19) VCF-style: chr19-10870420-CCTTCCCCGCGGTTCAGGAATCGT-C.
Other names: c.170_192del, p.Leu57fs (NM_001005360.3, NM_001005362.3, NM_001190716.2 and 1 more transcripts); short protein forms L57fs.
Identifiers: ClinVar variation 1489952 (VCV001489952.6), dbSNP rs2145855560, ClinGen allele CA2573155540.

ClinVar aggregate classification (germline): Uncertain significance (1 of 4 stars; one submission).

Conditions:
Charcot-Marie-Tooth disease dominant intermediate B (CMTDIB). Also called: Charcot-Marie-Tooth disease dominant intermediate 1; CMT DI1; Charcot-Marie-Tooth disease dominant intermediate I; CHARCOT-MARIE-TOOTH NEUROPATHY, DOMINANT INTERMEDIATE B. Identifiers: Orphanet 100044, Orphanet 228179, MedGen C1847902, MONDO:0011674, OMIM 606482.

Submission:

Labcorp Genetics (formerly Invitae), Labcorp
Classification: Uncertain significance for Charcot-Marie-Tooth disease dominant intermediate B. Last evaluated: 2020-12-01. Review status: criteria provided, single submitter. Criteria: Invitae Variant Classification Sherloc (09022015). Collection method: clinical testing. Allele origin: germline.
Comment: In summary, the available evidence is currently insufficient to determine the role of this variant in disease. Therefore, it has been classified as a Variant of Uncertain Significance. This variant has not been reported in the literature in individuals with DNM2-related conditions. This variant is not present in population databases (ExAC no frequency). This sequence change creates a premature translational stop signal (p.Leu57Hisfs*31) in the DNM2 gene. It is expected to result in an absent or disrupted protein product. However, the current clinical and genetic evidence is not sufficient to establish whether loss-of-function variants in DNM2 cause disease.